The following is an entry in ClinVar:

ClinVar aggregate classification (germline): Uncertain significance. Review status: criteria provided, multiple submitters, no conflicts (2 of 4 stars). 5 submissions from 5 submitters: Uncertain significance (5). Last evaluated 2025-01-29.

Conditions:
Classic or attenuated familial adenomatous polyposis. Identifiers: MedGen CN372698, MONDO:0021057.
Hereditary cancer-predisposing syndrome. Also called: Neoplastic Syndromes, Hereditary; Hereditary Cancer Syndrome; Tumor predisposition; Hereditary neoplastic syndrome. Identifiers: Orphanet 140162, MedGen C0027672, MeSH D009386, MONDO:0015356.
Familial adenomatous polyposis 1 (FAP1). Also called: POLYPOSIS, ADENOMATOUS INTESTINAL; FAMILIAL ADENOMATOUS POLYPOSIS 1, ATTENUATED. Identifiers: MedGen C2713442, MONDO:0021056, OMIM 175100. Disease mechanism: loss of function.

Submissions (5):

Ambry Genetics
Classification: Uncertain significance for Hereditary cancer-predisposing syndrome. Last evaluated: 2025-01-29. Review status: criteria provided, single submitter. Criteria: Ambry Variant Classification Scheme 2023. Collection method: clinical testing. Allele origin: germline.
Comment: The p.Q2727H variant (also known as c.8181G>C), located in coding exon 15 of the APC gene, results from a G to C substitution at nucleotide position 8181. The glutamine at codon 2727 is replaced by histidine, an amino acid with highly similar properties. This alteration was detected in 1 of 1165 individuals undergoing genetic testing based on a history of colorectal cancer or colon polyps (Gordon AS et al. Am J Hum Genet, 2019 09;105:526-533). This amino acid position is well conserved in available vertebrate species. In addition, in silico predictors for this gene do not accurately predict pathogenicity. Missense alterations in APC are not a common cause of disease (Spier I et al. Genet Med. 2024 Feb;26(2):100992). Based on the available evidence, the clinical significance of this variant remains unclear.

Baylor Genetics
Classification: Uncertain significance for Familial adenomatous polyposis 1. Last evaluated: 2024-02-08. Review status: criteria provided, single submitter. Criteria: ACMG Guidelines, 2015. Collection method: clinical testing. Allele origin: unknown.

Labcorp Genetics (formerly Invitae), Labcorp
Classification: Uncertain significance for Familial adenomatous polyposis 1. Last evaluated: 2023-10-10. Review status: criteria provided, single submitter. Criteria: Invitae Variant Classification Sherloc (09022015). Collection method: clinical testing. Allele origin: germline.
Comment: This sequence change replaces glutamine, which is neutral and polar, with histidine, which is basic and polar, at codon 2727 of the APC protein (p.Gln2727His). This variant is present in population databases (no rsID available, gnomAD 0.0009%). This missense change has been observed in individual(s) with breast cancer (PMID: 30613976). ClinVar contains an entry for this variant (Variation ID: 505436). Advanced modeling of protein sequence and biophysical properties (such as structural, functional, and spatial information, amino acid conservation, physicochemical variation, residue mobility, and thermodynamic stability) performed at Invitae indicates that this missense variant is not expected to disrupt APC protein function. In summary, the available evidence is currently insufficient to determine the role of this variant in disease. Therefore, it has been classified as a Variant of Uncertain Significance.

All of Us Research Program, National Institutes of Health
Classification: Uncertain significance for Classic or attenuated familial adenomatous polyposis. Last evaluated: 2023-06-08. Review status: criteria provided, single submitter. Criteria: ACMG Guidelines, 2015. Collection method: clinical testing. Allele origin: germline. Inheritance: Autosomal dominant inheritance. Observed: 1 variant allele, 1 heterozygote.
Comment: This missense variant replaces glutamine with histidine at codon 2727 of the APC protein. Computational prediction suggests that this variant may not impact protein structure and function (internally defined REVEL score threshold <= 0.5, PMID: 27666373). To our knowledge, functional studies have not been reported for this variant. This variant has been reported in an individual affected with colorectal cancer or polyps in the literature (PMID: 31422818). This variant has been identified in 1/251356 chromosomes in the general population by the Genome Aggregation Database (gnomAD). The available evidence is insufficient to determine the role of this variant in disease conclusively. Therefore, this variant is classified as a Variant of Uncertain Significance.

This study involves interpretation of variants in research participants for the purpose of population health screening. Participant phenotype was not available at the time of variant classification. Additional details can be found in publication PMID: 35346344, PMCID: PMC8962531

Laboratory for Molecular Medicine, Mass General Brigham Personalized Medicine
Classification: Uncertain significance. Last evaluated: 2016-11-25. Review status: criteria provided, single submitter. Criteria: LMM Criteria. Collection method: clinical testing. Allele origin: germline. Observed: 1 variant allele.
Comment: The p.Gln2727His variant in APC has not been previously reported in individuals with APC-associated cancer and was absent from large population studies. Computa tional prediction tools and conservation analysis do not provide strong support for or against an impact to the protein. In summary, the clinical significance o f the p.Gln2727His variant is uncertain.

Literature cited by the submitters: PubMed 31422818 (cited by Ambry Genetics and All of Us Research Program, National Institutes of Health); PubMed 30613976 (cited by Labcorp Genetics (formerly Invitae), Labcorp).

NM_000038.6(APC):c.8181G>C (p.Gln2727His)

Gene: APC (APC regulator of Wnt signaling pathway; plus strand). Cytogenetic location: 5q22.2.
Variant type: single nucleotide variant.
Coding change: c.8181G>C on transcript NM_000038.6 (MANE Select); coding-DNA position 8181, G replaced by C.
Protein change: p.Gln2727His; replaces glutamine 2727 with histidine.
Molecular consequence: missense variant.
Genome position (GRCh38, 1-based): chr5:112,843,775, G>C. VCF-style: chr5-112843775-G-C. GRCh37 (hg19) VCF-style: chr5-112179472-G-C.
Other names: c.8181G>C, p.Gln2727His (NM_001127510.3, NM_001354895.2); c.8127G>C, p.Gln2709His (NM_001127511.3); c.8235G>C, p.Gln2745His (NM_001354896.2); c.8211G>C, p.Gln2737His (NM_001354897.2); c.8106G>C, p.Gln2702His (NM_001354898.2); c.8097G>C, p.Gln2699His (NM_001354899.2); c.8058G>C, p.Gln2686His (NM_001354900.2); c.8004G>C, p.Gln2668His (NM_001354901.2); and 5 more; short protein forms Q2709H, Q2727H, Q2444H, Q2636H, Q2745H, Q2686H, Q2567H, Q2668H.
Identifiers: ClinVar variation 505436 (VCV000505436.19), dbSNP rs756467505, ClinGen allele CA16039091.
Genomic context (GRCh38, chr5:112,843,775, plus strand): 5'-TAATGGCAGTGTTCCCATGCGTACCGTGGGTTTGGAAAATCGCCTGAACTCCTTTATTCA[G>C]GTGGATGCCCCTGACCAAAAAGGAACTGAGATAAAACCAGGACAAAATAATCCTGTCCCT-3'
Protein context (NP_000029.2, residues 2717-2737): GLENRLNSFI[Gln2727His]VDAPDQKGTE